The following is an entry in ClinVar:

ClinVar aggregate classification (germline): Likely benign. Review status: criteria provided, multiple submitters, no conflicts (2 of 4 stars). 2 submissions from 2 submitters: Likely benign (2). Last evaluated 2016-10-20.

Allele frequency attached by ClinVar (database versions not stated): gnomAD exomes 0.00014; TOPMed 0.00020; gnomAD 0.00021 and 0.00022.
gnomAD v4.1: 152 of 980,912 alleles (0.015%); highest among the groups gnomAD compares: Middle Eastern, 0.052%; no homozygotes.

Submissions (2):

GeneDx
Classification: Likely benign. Last evaluated: 2016-10-20. Review status: criteria provided, single submitter. Criteria: GeneDx Variant Classification (06012015). Collection method: clinical testing. Allele origin: germline. Affected: yes.
Comment: This variant is considered likely benign or benign based on one or more of the following criteria: it is a conservative change, it occurs at a poorly conserved position in the protein, it is predicted to be benign by multiple in silico algorithms, and/or has population frequency not consistent with disease.

Breakthrough Genomics
Classification: Likely benign. Review status: criteria provided, single submitter. Criteria: ACMG Guidelines, 2015. Collection method: not provided. Allele origin: germline. Inheritance: Autosomal recessive inheritance. Affected: yes.

NM_080605.4(B3GALT6):c.-23G>A

Gene: B3GALT6 (beta-1,3-galactosyltransferase 6; plus strand). Cytogenetic location: 1p36.33.
Variant type: single nucleotide variant.
Coding change: c.-23G>A on transcript NM_080605.4 (MANE Select); 23 bases upstream of the start codon, G replaced by A.
Molecular consequence: 5 prime UTR variant.
Genome position (GRCh38, 1-based): chr1:1,232,256, G>A. VCF-style: chr1-1232256-G-A. GRCh37 (hg19) VCF-style: chr1-1167636-G-A.
Identifiers: ClinVar variation 390144 (VCV000390144.2), dbSNP rs867887048, ClinGen allele CA16603421.